The following is an entry in ClinVar:

ClinVar aggregate classification (germline): Likely pathogenic (1 of 4 stars; one submission).

Conditions:
Joubert syndrome. Also called: CEREBELLOPARENCHYMAL DISORDER IV; JOUBERT-BOLTSHAUSER SYNDROME; Familial aplasia of the vermis. Identifiers: Orphanet 475, MedGen C5979921, MONDO:0018772.
Meckel-Gruber syndrome. Also called: DYSENCEPHALIA SPLANCHNOCYSTICA; GRUBER SYNDROME; Dysencephalia splachnocystica. Identifiers: Orphanet 564, MedGen C0265215, MONDO:0018921.

Allele frequency attached by ClinVar (database versions not stated): gnomAD exomes below 0.00001; TOPMed below 0.00001.
gnomAD v4.1: 1 of 1,611,628 alleles (0.000062%); highest among the groups gnomAD compares: Admixed American, 0.0017%; no homozygotes.

Submission:

Labcorp Genetics (formerly Invitae), Labcorp
Classification: Likely pathogenic for Joubert syndrome; Meckel-Gruber syndrome. Last evaluated: 2023-04-13. Review status: criteria provided, single submitter. Criteria: Invitae Variant Classification Sherloc (09022015). Collection method: clinical testing. Allele origin: germline.
Comment: In summary, the currently available evidence indicates that the variant is pathogenic, but additional data are needed to prove that conclusively. Therefore, this variant has been classified as Likely Pathogenic. Algorithms developed to predict the effect of sequence changes on RNA splicing suggest that this variant may disrupt the consensus splice site. This variant has not been reported in the literature in individuals affected with TMEM67-related conditions. This variant is not present in population databases (gnomAD no frequency). This sequence change affects an acceptor splice site in intron 10 of the TMEM67 gene. It is expected to disrupt RNA splicing. Variants that disrupt the donor or acceptor splice site typically lead to a loss of protein function (PMID: 16199547), and loss-of-function variants in TMEM67 are known to be pathogenic (PMID: 20232449, 23559409).

Literature cited by the submitters: PubMed 16199547; PubMed 20232449; PubMed 23559409.

NM_153704.6(TMEM67):c.1066-1G>A

Gene: TMEM67 (transmembrane protein 67; plus strand). Cytogenetic location: 8q22.1.
Variant type: single nucleotide variant.
Coding change: c.1066-1G>A on transcript NM_153704.6 (MANE Select); the canonical splice acceptor site of the intron before coding-DNA position 1066, G replaced by A.
Molecular consequence: splice acceptor variant.
Genome position (GRCh38, 1-based): chr8:93,782,394, G>A. VCF-style: chr8-93782394-G-A. GRCh37 (hg19) VCF-style: chr8-94794622-G-A.
Other names: c.823-1G>A (NM_001142301.1).
Identifiers: ClinVar variation 2930924 (VCV002930924.3), dbSNP rs1813878286, ClinGen allele CA371689029.